The following is an entry in ClinVar:

ClinVar aggregate classification (germline): Uncertain significance (1 of 4 stars; one submission).

gnomAD v4.1: 1 of 1,613,428 alleles (0.000062%); highest among the groups gnomAD compares: Non-Finnish European, 0.000085%; no homozygotes.

Submission:

GeneDx
Classification: Uncertain significance. Last evaluated: 2023-06-22. Review status: criteria provided, single submitter. Criteria: GeneDx Variant Classification Process June 2021. Collection method: clinical testing. Allele origin: germline. Affected: yes.
Comment: Not observed at significant frequency in large population cohorts (gnomAD); In silico analysis supports that this missense variant does not alter protein structure/function; Has not been previously published as pathogenic or benign to our knowledge

NM_152743.4(BRAT1):c.2106C>A (p.Asp702Glu)

Gene: BRAT1 (BRCA1 associated ATM activator 1; minus strand). Cytogenetic location: 7p22.3.
Variant type: single nucleotide variant.
Coding change: c.2106C>A on transcript NM_152743.4 (MANE Select); coding-DNA position 2106, C replaced by A.
Protein change: p.Asp702Glu; replaces aspartic acid 702 with glutamic acid.
Molecular consequence: missense variant. On other transcripts: non-coding transcript variant (1).
Genome position (GRCh38, 1-based): chr7:2,538,429, G>T on the plus strand (C>A on the coding strand, the complement: BRAT1 is on the minus strand). VCF-style: chr7-2538429-G-T. GRCh37 (hg19) VCF-style: chr7-2578063-G-T.
Other names: c.2286C>A, p.Asp762Glu (NM_001350626.2); c.1581C>A, p.Asp527Glu (NM_001350627.2); short protein forms D527E, D702E, D762E.
Identifiers: ClinVar variation 3360164 (VCV003360164.1).